The following is an entry in ClinVar:

ClinVar aggregate classification (germline): Uncertain significance (1 of 4 stars; one submission).

Conditions:
Asphyxiating thoracic dystrophy 5 (SRTD5). Also called: SHORT-RIB THORACIC DYSPLASIA 5 WITHOUT POLYDACTYLY; SHORT-RIB THORACIC DYSPLASIA 5 WITH OR WITHOUT POLYDACTYLY. Identifiers: Orphanet 474, MedGen C3280598, MONDO:0013717, OMIM 614376.
Senior-Loken syndrome 8 (SLSN8). Identifiers: Orphanet 3156, MedGen C4225376, MONDO:0014579, OMIM 616307.

Allele frequency attached by ClinVar (database versions not stated): TOPMed below 0.00001.

Submission:

Labcorp Genetics (formerly Invitae), Labcorp
Classification: Uncertain significance for Senior-Loken syndrome 8; Asphyxiating thoracic dystrophy 5. Last evaluated: 2025-01-06. Review status: criteria provided, single submitter. Criteria: Invitae Variant Classification Sherloc (09022015). Collection method: clinical testing. Allele origin: germline.
Comment: This sequence change replaces leucine, which is neutral and non-polar, with valine, which is neutral and non-polar, at codon 211 of the WDR19 protein (p.Leu211Val). This variant is not present in population databases (gnomAD no frequency). This variant has not been reported in the literature in individuals affected with WDR19-related conditions. ClinVar contains an entry for this variant (Variation ID: 2068704). Invitae Evidence Modeling of protein sequence and biophysical properties (such as structural, functional, and spatial information, amino acid conservation, physicochemical variation, residue mobility, and thermodynamic stability) indicates that this missense variant is not expected to disrupt WDR19 protein function with a negative predictive value of 80%. In summary, the available evidence is currently insufficient to determine the role of this variant in disease. Therefore, it has been classified as a Variant of Uncertain Significance.

NM_025132.4(WDR19):c.631T>G (p.Leu211Val)

Gene: WDR19 (WD repeat domain 19; plus strand). Cytogenetic location: 4p14.
Variant type: single nucleotide variant.
Coding change: c.631T>G on transcript NM_025132.4 (MANE Select); coding-DNA position 631, T replaced by G.
Protein change: p.Leu211Val; replaces leucine 211 with valine.
Molecular consequence: missense variant.
Genome position (GRCh38, 1-based): chr4:39,205,181, T>G. VCF-style: chr4-39205181-T-G. GRCh37 (hg19) VCF-style: chr4-39206801-T-G.
Other names: c.151T>G, p.Leu51Val (NM_001317924.2); short protein forms L211V, L51V.
Identifiers: ClinVar variation 2068704 (VCV002068704.4), dbSNP rs1727817818, ClinGen allele CA356633803.